The following is an entry in ClinVar:

NM_005911.6(MAT2A):c.377A>G (p.Asn126Ser)

Genes: GGCX (gamma-glutamyl carboxylase; minus strand), MAT2A (methionine adenosyltransferase 2A; plus strand). Cytogenetic location: 2p11.2.
Variant type: single nucleotide variant.
Coding change: c.377A>G on transcript NM_005911.6 (MANE Select); coding-DNA position 377, A replaced by G.
Protein change: p.Asn126Ser; replaces asparagine 126 with serine.
Molecular consequence: missense variant.
Genome position (GRCh38, 1-based): chr2:85,541,717, A>G. VCF-style: chr2-85541717-A-G. GRCh37 (hg19) VCF-style: chr2-85768840-A-G.
Other names: short protein forms N126S.
Identifiers: ClinVar variation 1042927 (VCV001042927.10), dbSNP rs770828359, ClinGen allele CA1741385.

ClinVar aggregate classification (germline): Uncertain significance (1 of 4 stars; one submission).

Conditions:
Familial thoracic aortic aneurysm and aortic dissection (TAAD). Also called: Thoracic aortic aneurysms and dissections. Identifiers: Orphanet 91387, MedGen C4707243, MONDO:0019625.

Allele frequency attached by ClinVar (database versions not stated): gnomAD exomes below 0.00001 and 0.00001; gnomAD 0.00001; ExAC 0.00002; TOPMed 0.00002.

Submissions (2):

Labcorp Genetics (formerly Invitae), Labcorp
Classification: Uncertain significance for Familial thoracic aortic aneurysm and aortic dissection. Last evaluated: 2025-09-18. Review status: criteria provided, single submitter. Criteria: Invitae Variant Classification Sherloc (09022015). Collection method: clinical testing. Allele origin: germline.
Comment: This sequence change replaces asparagine, which is neutral and polar, with serine, which is neutral and polar, at codon 126 of the MAT2A protein (p.Asn126Ser). This variant is present in population databases (rs770828359, gnomAD 0.01%). This variant has not been reported in the literature in individuals affected with MAT2A-related conditions. ClinVar contains an entry for this variant (Variation ID: 1042927). Invitae Evidence Modeling of protein sequence and biophysical properties (such as structural, functional, and spatial information, amino acid conservation, physicochemical variation, residue mobility, and thermodynamic stability) indicates that this missense variant is not expected to disrupt MAT2A protein function with a negative predictive value of 80%. In summary, the available evidence is currently insufficient to determine the role of this variant in disease. Therefore, it has been classified as a Variant of Uncertain Significance.

Dr. Peter K. Rogan Lab, Western University
No classification provided (evidence only). Condition: Uterine corpus endometrial carcinoma. Review status: no classification provided. Collection method: in vitro. Allele origin: not applicable. Functional consequence: retained intron. Not counted in ClinVar's aggregate classification.